The following is an entry in ClinVar:

ClinVar aggregate classification (germline): Likely benign (1 of 4 stars; one submission).

Conditions:
HECW2-related disorder. Also called: HECW2-related condition.

Submission:

PreventionGenetics, part of Exact Sciences
Classification: Likely benign for HECW2-related condition. Last evaluated: 2025-02-25. Review status: criteria provided, single submitter. Criteria: ACMG Guidelines, 2015. Collection method: clinical testing. Allele origin: germline.
Comment: This variant is classified as likely benign based on ACMG/AMP sequence variant interpretation guidelines (Richards et al. 2015 PMID: 25741868, with internal and published modifications).

NM_001348768.2(HECW2):c.3420-4C>G

Gene: HECW2 (HECT, C2 and WW domain containing E3 ubiquitin protein ligase 2; minus strand). Cytogenetic location: 2q32.3.
Variant type: single nucleotide variant.
Coding change: c.3420-4C>G on transcript NM_001348768.2 (MANE Select); 4 bases into the intron before coding-DNA position 3420, C replaced by G.
Molecular consequence: intron variant.
Genome position (GRCh38, 1-based): chr2:196,254,033, G>C on the plus strand (C>G on the coding strand, the complement: HECW2 is on the minus strand). VCF-style: chr2-196254033-G-C. GRCh37 (hg19) VCF-style: chr2-197118757-G-C.
Other names: c.3420-4C>G (NM_020760.4); c.2352-4C>G (NM_001304840.3).
Identifiers: ClinVar variation 4998743 (VCV004998743.1).
Genomic context (GRCh38, chr2:196,254,033, plus strand): 5'-CTGGGGTGGAGTAAGGCATGTGGAGGCACATACGACATTATCTCTTCTTCAAATAAGCTG[G>C]GGAAAGACAAGAAACAAAACGGGCACTTCAGCCAAAGTAGTGGGGAAAAGCCTAAATCCC-3'